The following is an entry in ClinVar:

NM_000079.4(CHRNA1):c.1016C>T (p.Thr339Ile)

Gene: CHRNA1 (cholinergic receptor nicotinic alpha 1 subunit; minus strand). Cytogenetic location: 2q31.1.
Variant type: single nucleotide variant.
Coding change: c.1016C>T on transcript NM_000079.4 (MANE Select); coding-DNA position 1016, C replaced by T.
Protein change: p.Thr339Ile; replaces threonine 339 with isoleucine.
Molecular consequence: missense variant.
Genome position (GRCh38, 1-based): chr2:174,748,806, G>A on the plus strand (C>T on the coding strand, the complement: CHRNA1 is on the minus strand). VCF-style: chr2-174748806-G-A. GRCh37 (hg19) VCF-style: chr2-175613534-G-A.
Other names: c.1091C>T, p.Thr364Ile (NM_001039523.3); short protein forms T339I, T364I.
Identifiers: ClinVar variation 2053518 (VCV002053518.4), dbSNP rs1392812802, ClinGen allele CA349335326.

ClinVar aggregate classification (germline): Uncertain significance (1 of 4 stars; one submission).

Conditions:
Lethal multiple pterygium syndrome (LMPS). Identifiers: Orphanet 33108, MedGen C1854678, MONDO:0009668, OMIM 253290.

gnomAD v4.1: 3 of 1,614,094 alleles (0.00019%); highest among the groups gnomAD compares: Admixed American, 0.0033%; no homozygotes.

Submission:

Labcorp Genetics (formerly Invitae), Labcorp
Classification: Uncertain significance for Lethal multiple pterygium syndrome. Last evaluated: 2023-12-27. Review status: criteria provided, single submitter. Criteria: Invitae Variant Classification Sherloc (09022015). Collection method: clinical testing. Allele origin: germline.
Comment: This sequence change replaces threonine, which is neutral and polar, with isoleucine, which is neutral and non-polar, at codon 339 of the CHRNA1 protein (p.Thr339Ile). This variant is present in population databases (no rsID available, gnomAD 0.006%). This variant has not been reported in the literature in individuals affected with CHRNA1-related conditions. ClinVar contains an entry for this variant (Variation ID: 2053518). Advanced modeling of protein sequence and biophysical properties (such as structural, functional, and spatial information, amino acid conservation, physicochemical variation, residue mobility, and thermodynamic stability) performed at Invitae indicates that this missense variant is not expected to disrupt CHRNA1 protein function with a negative predictive value of 80%. In summary, the available evidence is currently insufficient to determine the role of this variant in disease. Therefore, it has been classified as a Variant of Uncertain Significance.